The following is an entry in ClinVar:

NM_001114753.3(ENG):c.806T>C (p.Met269Thr)

Gene: ENG (endoglin; minus strand). Cytogenetic location: 9q34.11.
Variant type: single nucleotide variant.
Coding change: c.806T>C on transcript NM_001114753.3 (MANE Select); coding-DNA position 806, T replaced by C.
Protein change: p.Met269Thr; replaces methionine 269 with threonine.
Molecular consequence: missense variant.
Genome position (GRCh38, 1-based): chr9:127,825,241, A>G on the plus strand (T>C on the coding strand, the complement: ENG is on the minus strand). VCF-style: chr9-127825241-A-G. GRCh37 (hg19) VCF-style: chr9-130587520-A-G.
Other names: c.806T>C, p.Met269Thr (NM_000118.4, NM_001406715.1); c.260T>C, p.Met87Thr (NM_001278138.2); short protein forms M269T, M87T.
Identifiers: ClinVar variation 647398 (VCV000647398.12), dbSNP rs752331196, ClinGen allele CA5252980.
Genomic context (GRCh38, chr9:127,825,241, plus strand): 5'-CAGAGGTTGGGAGTTTGGGTTTTGTGTCCCGGGAGCTGCGCACAACTCACCCAGATCTGC[A>G]TGTTGTGGTTGGCGTCGATGAGCCAGGACACGTAGGGGGGACCCTGCAGGATGAGGACGG-3'
Protein context (NP_001108225.1, residues 259-279): VSWLIDANHN[Met269Thr]QIWTTGEYSF

ClinVar aggregate classification (germline): Uncertain significance (1 of 4 stars; one submission).

Conditions:
Hereditary hemorrhagic telangiectasia (HHT). Also called: ORW DISEASE; Osler Weber Rendu syndrome; OSLER-RENDU-WEBER DISEASE; Osler hemorrhagic telangiectasia syndrome. Identifiers: Orphanet 774, MedGen C0039445, MONDO:0019180. Disease mechanism: loss of function.

Allele frequency attached by ClinVar (database versions not stated): gnomAD exomes below 0.00001; ExAC 0.00001.
gnomAD v4.1: 2 of 1,612,532 alleles (0.00012%); highest among the groups gnomAD compares: South Asian, 0.0011%; no homozygotes.

Submission:

Labcorp Genetics (formerly Invitae), Labcorp
Classification: Uncertain significance for Hereditary hemorrhagic telangiectasia. Last evaluated: 2019-10-21. Review status: criteria provided, single submitter. Criteria: Invitae Variant Classification Sherloc (09022015). Collection method: clinical testing. Allele origin: germline.
Comment: In summary, the available evidence is currently insufficient to determine the role of this variant in disease. Therefore, it has been classified as a Variant of Uncertain Significance. Algorithms developed to predict the effect of missense changes on protein structure and function are either unavailable or do not agree on the potential impact of this missense change (SIFT: "Deleterious"; PolyPhen-2: "Benign"; Align-GVGD: "Class C0"). This variant has not been reported in the literature in individuals with ENG-related disease. This variant is present in population databases (rs752331196, ExAC 0.006%). This sequence change replaces methionine with threonine at codon 269 of the ENG protein (p.Met269Thr). The methionine residue is weakly conserved and there is a moderate physicochemical difference between methionine and threonine.